The following is an entry in ClinVar:

ClinVar aggregate classification (germline): Uncertain significance (1 of 4 stars; one submission).

gnomAD v4.1: 1 of 1,613,222 alleles (0.000062%); highest among the groups gnomAD compares: Non-Finnish European, 0.000085%; no homozygotes.

Submission:

Labcorp Genetics (formerly Invitae), Labcorp
Classification: Uncertain significance. Last evaluated: 2020-09-16. Review status: criteria provided, single submitter. Criteria: Invitae Variant Classification Sherloc (09022015). Collection method: clinical testing. Allele origin: germline.
Comment: In summary, the available evidence is currently insufficient to determine the role of this variant in disease. Therefore, it has been classified as a Variant of Uncertain Significance. Algorithms developed to predict the effect of missense changes on protein structure and function are either unavailable or do not agree on the potential impact of this missense change (SIFT: "Deleterious"; PolyPhen-2: "Possibly Damaging"; Align-GVGD: "Class C0"). This variant has not been reported in the literature in individuals with ERBB2-related conditions. This variant is not present in population databases (ExAC no frequency). This sequence change replaces serine with cysteine at codon 1174 of the ERBB2 protein (p.Ser1174Cys). The serine residue is weakly conserved and there is a moderate physicochemical difference between serine and cysteine.

NM_004448.4(ERBB2):c.3521C>G (p.Ser1174Cys)

Gene: ERBB2 (erb-b2 receptor tyrosine kinase 2; plus strand). Cytogenetic location: 17q12.
Variant type: single nucleotide variant.
Coding change: c.3521C>G on transcript NM_004448.4 (MANE Select); coding-DNA position 3521, C replaced by G.
Protein change: p.Ser1174Cys; replaces serine 1174 with cysteine.
Molecular consequence: missense variant. On other transcripts: 3 prime UTR variant (2), non-coding transcript variant (1).
Genome position (GRCh38, 1-based): chr17:39,727,797, C>G. VCF-style: chr17-39727797-C-G. GRCh37 (hg19) VCF-style: chr17-37884050-C-G.
Other names: c.3431C>G, p.Ser1144Cys (NM_001005862.3, NM_001382782.1, NM_001382783.1); c.3476C>G, p.Ser1159Cys (NM_001289936.2); c.*100C>G (NM_001289937.2, NM_001382803.1); c.3638C>G, p.Ser1213Cys (NM_001382784.1); c.3623C>G, p.Ser1208Cys (NM_001382785.1); c.3602C>G, p.Ser1201Cys (NM_001382786.1); c.3596C>G, p.Ser1199Cys (NM_001382787.1); c.3551C>G, p.Ser1184Cys (NM_001382788.1); and 16 more; short protein forms S1088C, S1106C, S1112C, S1114C, S1122C, S1141C, S1144C, S1145C.
Identifiers: ClinVar variation 1002037 (VCV001002037.8), dbSNP rs1351450168, ClinGen allele CA399313300.